The following is an entry in ClinVar:

ClinVar aggregate classification (germline): Benign (0 of 4 stars; one submission).

Conditions:
TGFBR3-related disorder. Also called: TGFBR3-related condition.

Allele frequency attached by ClinVar (database versions not stated): 1000 Genomes Project 0.27975; 1000 Genomes Project 30x 0.28467; ExAC 0.36604; TOPMed 0.37513; gnomAD 0.37519; ESP Exome Variant Server 0.40481; gnomAD exomes 0.41117.
gnomAD v4.1: 656,445 of 1,613,752 alleles (41%); highest among the groups gnomAD compares: Non-Finnish European, 44%; 138,697 homozygotes.

Submission:

PreventionGenetics, part of Exact Sciences
Classification: Benign for TGFBR3-related condition. Last evaluated: 2019-10-21. Review status: no assertion criteria provided. Collection method: clinical testing. Allele origin: germline.
Comment: This variant is classified as benign based on ACMG/AMP sequence variant interpretation guidelines (Richards et al. 2015 PMID: 25741868, with internal and published modifications).

NM_003243.5(TGFBR3):c.2028T>C (p.Phe676=)

Gene: TGFBR3 (transforming growth factor beta receptor 3; minus strand). Cytogenetic location: 1p22.1.
Variant type: single nucleotide variant.
Coding change: c.2028T>C on transcript NM_003243.5 (MANE Select); coding-DNA position 2028, T replaced by C.
Protein change: p.Phe676=; no amino-acid change (phenylalanine 676 retained).
Molecular consequence: synonymous variant. On other transcripts: non-coding transcript variant (1).
Genome position (GRCh38, 1-based): chr1:91,712,381, A>G on the plus strand (T>C on the coding strand, the complement: TGFBR3 is on the minus strand). VCF-style: chr1-91712381-A-G. GRCh37 (hg19) VCF-style: chr1-92177938-A-G.
Other names: c.2025T>C, p.Phe675= (NM_001195683.2, NM_001195684.1).
Identifiers: ClinVar variation 3059465 (VCV003059465.2), dbSNP rs1805113, ClinGen allele CA947652.
Genomic context (GRCh38, chr1:91,712,381, plus strand): 5'-GAAGACAGGCTTGAAGACAAAGCTGAATCGCTTCTTATCCATGTCAGCTTGCGGGATAGG[A>G]AAGTGCACTCTCTTGGGACTGTAGAATTTCACAGATTCATCTTTAGGACAAATATTCTCA-3'
Protein context (NP_003234.2, residues 666-686): VKFYSPKRVH[Phe676=]PIPQADMDKK